The following is an entry in ClinVar:

NM_001793.6(CDH3):c.1593G>A (p.Thr531=)

Gene: CDH3 (cadherin 3; plus strand). Cytogenetic location: 16q22.1.
Variant type: single nucleotide variant.
Coding change: c.1593G>A on transcript NM_001793.6 (MANE Select); coding-DNA position 1593, G replaced by A.
Protein change: p.Thr531=; no amino-acid change (threonine 531 retained).
Molecular consequence: synonymous variant.
Genome position (GRCh38, 1-based): chr16:68,687,534, G>A. VCF-style: chr16-68687534-G-A. GRCh37 (hg19) VCF-style: chr16-68721437-G-A.
Other names: c.1593G>A, p.Thr531= (NM_001317195.3); c.1428G>A, p.Thr476= (NM_001317196.2).
Identifiers: ClinVar variation 320242 (VCV000320242.27), dbSNP rs147208782, ClinGen allele CA8129422.

ClinVar aggregate classification (germline): Conflicting classifications of pathogenicity. Review status: criteria provided, conflicting classifications (1 of 4 stars). 4 submissions from 4 submitters: Uncertain significance (1); Likely benign (3). Last evaluated 2025-10-23.

Conditions:
EEM syndrome (EEMS). Identifiers: Orphanet 1897, MedGen C1857041, MONDO:0009155, OMIM 225280.

Allele frequency attached by ClinVar (database versions not stated): ESP Exome Variant Server 0.00008; gnomAD 0.00011 and 0.00006; gnomAD exomes 0.00016; ExAC 0.00019; TOPMed 0.00005.
gnomAD v4.1: 172 of 1,614,008 alleles (0.011%); highest among the groups gnomAD compares: South Asian, 0.07%; no homozygotes.

Submissions (4):

Labcorp Genetics (formerly Invitae), Labcorp
Classification: Likely benign. Last evaluated: 2025-10-23. Review status: criteria provided, single submitter. Criteria: Invitae Variant Classification Sherloc (09022015). Collection method: clinical testing. Allele origin: germline.

CeGaT Center for Human Genetics Tuebingen
Classification: Likely benign. Last evaluated: 2025-02-01. Review status: criteria provided, single submitter. Criteria: CeGaT Center For Human Genetics Tuebingen Variant Classification Criteria Version 2. Collection method: clinical testing. Allele origin: germline. Affected: yes. Observed: 1 variant allele.
Comment: CDH3: BP4, BP7

Blueprint Genetics
Classification: Likely benign. Last evaluated: 2023-07-18. Review status: criteria provided, single submitter. Criteria: ACMG Guidelines, 2015. Collection method: clinical testing. Allele origin: germline.

Illumina Laboratory Services, Illumina
Classification: Uncertain significance for EEM syndrome. Last evaluated: 2018-01-12. Review status: criteria provided, single submitter. Criteria: ICSL Variant Classification Criteria 13 December 2019. Collection method: clinical testing. Allele origin: germline.